The following is an entry in ClinVar:

ClinVar aggregate classification (germline): Uncertain significance (1 of 4 stars; one submission).

Conditions:
Dilated cardiomyopathy 1HH (CMD1HH). Identifiers: Orphanet 154, MedGen C3151293, MONDO:0013479, OMIM 613881.
Myofibrillar myopathy 6. Identifiers: Orphanet 199340, MedGen C2751831, MONDO:0013061, OMIM 612954.

Submission:

Labcorp Genetics (formerly Invitae), Labcorp
Classification: Uncertain significance for Dilated cardiomyopathy 1HH; Myofibrillar myopathy 6. Last evaluated: 2025-11-27. Review status: criteria provided, single submitter. Criteria: Invitae Variant Classification Sherloc (09022015). Collection method: clinical testing. Allele origin: germline.
Comment: This sequence change replaces glycine, which is neutral and non-polar, with valine, which is neutral and non-polar, at codon 73 of the BAG3 protein (p.Gly73Val). This variant is not present in population databases (gnomAD no frequency). This variant has not been reported in the literature in individuals affected with BAG3-related conditions. Invitae Evidence Modeling of protein sequence and biophysical properties (such as structural, functional, and spatial information, amino acid conservation, physicochemical variation, residue mobility, and thermodynamic stability) indicates that this missense variant is not expected to disrupt BAG3 protein function with a negative predictive value of 80%. In summary, the available evidence is currently insufficient to determine the role of this variant in disease. Therefore, it has been classified as a Variant of Uncertain Significance.

NM_004281.4(BAG3):c.218G>T (p.Gly73Val)

Gene: BAG3 (BAG cochaperone 3; plus strand). Cytogenetic location: 10q26.11.
Variant type: single nucleotide variant.
Coding change: c.218G>T on transcript NM_004281.4 (MANE Select); coding-DNA position 218, G replaced by T.
Protein change: p.Gly73Val; replaces glycine 73 with valine.
Molecular consequence: missense variant.
Genome position (GRCh38, 1-based): chr10:119,669,888, G>T. VCF-style: chr10-119669888-G-T. GRCh37 (hg19) VCF-style: chr10-121429400-G-T.
Other names: short protein forms G73V.
Identifiers: ClinVar variation 4782794 (VCV004782794.1).